The following is an entry in ClinVar:

NM_000784.4(CYP27A1):c.84G>C (p.Lys28Asn)

Gene: CYP27A1 (cytochrome P450 family 27 subfamily A member 1; plus strand). Cytogenetic location: 2q35.
Variant type: single nucleotide variant.
Coding change: c.84G>C on transcript NM_000784.4 (MANE Select); coding-DNA position 84, G replaced by C.
Protein change: p.Lys28Asn; replaces lysine 28 with asparagine.
Molecular consequence: missense variant.
Genome position (GRCh38, 1-based): chr2:218,782,266, G>C. VCF-style: chr2-218782266-G-C. GRCh37 (hg19) VCF-style: chr2-219646989-G-C.
Other names: short protein forms K28N.
Identifiers: ClinVar variation 1372428 (VCV001372428.3), dbSNP rs958713867, ClinGen allele CA65813717.

ClinVar aggregate classification (germline): Uncertain significance (1 of 4 stars; one submission).

Conditions:
Cholestanol storage disease (CTX). Also called: CEREBRAL CHOLESTERINOSIS; Cerebrotendinous Xanthomatosis; CTX: Cerebrotendinous xanthomatosis. Identifiers: Orphanet 909, MedGen C0238052, MONDO:0008948, OMIM 213700.

Allele frequency attached by ClinVar (database versions not stated): gnomAD 0.00001.

Submission:

Labcorp Genetics (formerly Invitae), Labcorp
Classification: Uncertain significance for Cholestanol storage disease. Last evaluated: 2022-10-13. Review status: criteria provided, single submitter. Criteria: Invitae Variant Classification Sherloc (09022015). Collection method: clinical testing. Allele origin: germline.
Comment: This sequence change replaces lysine, which is basic and polar, with asparagine, which is neutral and polar, at codon 28 of the CYP27A1 protein (p.Lys28Asn). This variant is not present in population databases (gnomAD no frequency). This variant has not been reported in the literature in individuals affected with CYP27A1-related conditions. ClinVar contains an entry for this variant (Variation ID: 1372428). Advanced modeling of protein sequence and biophysical properties (such as structural, functional, and spatial information, amino acid conservation, physicochemical variation, residue mobility, and thermodynamic stability) performed at Invitae indicates that this missense variant is not expected to disrupt CYP27A1 protein function. In summary, the available evidence is currently insufficient to determine the role of this variant in disease. Therefore, it has been classified as a Variant of Uncertain Significance.